The following is an entry in ClinVar:

ClinVar aggregate classification (germline): Uncertain significance (1 of 4 stars; one submission).

Conditions:
Hereditary cancer-predisposing syndrome. Also called: Hereditary neoplastic syndrome; Neoplastic Syndromes, Hereditary; Tumor predisposition; Hereditary Cancer Syndrome. Identifiers: Orphanet 140162, MedGen C0027672, MeSH D009386, MONDO:0015356.

Submission:

Ambry Genetics
Classification: Uncertain significance for Hereditary cancer-predisposing syndrome. Last evaluated: 2025-08-27. Review status: criteria provided, single submitter. Criteria: Ambry Variant Classification Scheme 2023. Collection method: clinical testing. Allele origin: germline.
Comment: The p.I146L variant (also known as c.436A>C), located in coding exon 5 of the MUTYH gene, results from an A to C substitution at nucleotide position 436. The isoleucine at codon 146 is replaced by leucine, an amino acid with highly similar properties. This amino acid position is conserved. In addition, the in silico prediction for this alteration is inconclusive. Based on the available evidence, the clinical significance of this variant remains unclear.

NM_001048174.2(MUTYH):c.352A>C (p.Ile118Leu)

Gene: MUTYH (mutY DNA glycosylase; minus strand). Cytogenetic location: 1p34.1.
Variant type: single nucleotide variant.
Coding change: c.352A>C on transcript NM_001048174.2 (MANE Select); coding-DNA position 352, A replaced by C.
Protein change: p.Ile118Leu; replaces isoleucine 118 with leucine.
Molecular consequence: missense variant. On other transcripts: non-coding transcript variant (6), intron variant (3).
Genome position (GRCh38, 1-based): chr1:45,333,123, T>G on the plus strand (A>C on the coding strand, the complement: MUTYH is on the minus strand). VCF-style: chr1-45333123-T-G. GRCh37 (hg19) VCF-style: chr1-45798795-T-G.
Other names: c.352A>C, p.Ile118Leu (NM_001407070.1, NM_001407072.1, NM_001407080.1 and 6 more transcripts); c.355A>C, p.Ile119Leu (NM_001407071.1, NM_001407078.1, NM_001407079.1 and 2 more transcripts); c.394A>C, p.Ile132Leu (NM_001407073.1, NM_001407083.1, NM_001407085.1); c.268A>C, p.Ile90Leu (NM_001407075.1); c.385A>C, p.Ile129Leu (NM_001407077.1, NM_001293191.2); c.33+162A>C (NM_001350651.2, NM_001350650.2, NM_001407082.1); c.436A>C, p.Ile146Leu (NM_001128425.2); c.397A>C, p.Ile133Leu (NM_001293190.2); and 3 more; short protein forms I129L, I90L, I118L, I119L, I133L, I146L, I125L, I132L.
Identifiers: ClinVar variation 4113658 (VCV004113658.1).